The following is an entry in ClinVar:

ClinVar aggregate classification (germline): Conflicting classifications of pathogenicity. Review status: criteria provided, conflicting classifications (1 of 4 stars). 5 submissions from 5 submitters: Uncertain significance (4); Likely benign (1). Last evaluated 2025-08-04.

Conditions:
Hereditary cancer-predisposing syndrome. Also called: Neoplastic Syndromes, Hereditary; Hereditary Cancer Syndrome; Tumor predisposition; Hereditary neoplastic syndrome. Identifiers: Orphanet 140162, MedGen C0027672, MeSH D009386, MONDO:0015356.
Hereditary breast ovarian cancer syndrome. Also called: Hereditary breast and ovarian cancer syndrome; Hereditary breast and ovarian cancer; Hereditary breast and ovarian cancer syndrome (HBOC); Hereditary breast and/or ovarian cancer syndrome; Breast and ovarian cancer; BRCA1- and BRCA2-Associated Hereditary Breast and Ovarian Cancer. Identifiers: Orphanet 145, MedGen C0677776, MeSH D061325, MONDO:0003582. Disease mechanism: loss of function.
Breast-ovarian cancer, familial, susceptibility to, 2 (BROVCA2). Also called: BRCA2 Hereditary Breast and Ovarian Cancer. Identifiers: Orphanet 145, MedGen C2675520, MONDO:0012933, OMIM 612555. Disease mechanism: loss of function.

Allele frequency attached by ClinVar (database versions not stated): gnomAD exomes below 0.00001.
gnomAD v4.1: 1 of 1,614,168 alleles (0.000062%); highest among the groups gnomAD compares: South Asian, 0.0011%; no homozygotes.

Submissions (5):

Color Diagnostics, LLC DBA Color Health
Classification: Uncertain significance for Hereditary cancer-predisposing syndrome. Last evaluated: 2025-08-04. Review status: criteria provided, single submitter. Criteria: ACMG Guidelines, 2015. Collection method: clinical testing. Allele origin: germline.
Comment: This missense variant replaces arginine with lysine at codon 2744 of the BRCA2 protein. Computational prediction suggests that this variant may not impact protein structure and function. Functional studies have reported that this variant does not impact BRCA2 in a haploid cell proliferation assay and in sensitivity assays to cisplatin and PARP inhibitor (PMID: 39779848, 39779857). To our knowledge, this variant has not been reported in individuals affected with BRCA2-related disorders in the literature. This variant has not been identified in the general population by the Genome Aggregation Database (gnomAD). The available evidence is insufficient to determine the role of this variant in disease conclusively. Therefore, this variant is classified as a Variant of Uncertain Significance.

Ambry Genetics
Classification: Likely benign for Hereditary cancer-predisposing syndrome. Last evaluated: 2025-06-24. Review status: criteria provided, single submitter. Criteria: Ambry Variant Classification Scheme 2023. Collection method: clinical testing. Allele origin: germline.

All of Us Research Program, National Institutes of Health
Classification: Uncertain significance for Breast-ovarian cancer, familial, susceptibility to, 2. Last evaluated: 2023-05-08. Review status: criteria provided, single submitter. Criteria: ACMG Guidelines, 2015. Collection method: clinical testing. Allele origin: germline. Inheritance: Autosomal dominant inheritance. Observed: 1 variant allele, 1 heterozygote.
Comment: This study involves interpretation of variants in research participants for the purpose of population health screening. Participant phenotype was not available at the time of variant classification. Additional details can be found in publication PMID: 35346344, PMCID: PMC8962531

Labcorp Genetics (formerly Invitae), Labcorp
Classification: Uncertain significance for Hereditary breast ovarian cancer syndrome. Last evaluated: 2022-12-03. Review status: criteria provided, single submitter. Criteria: Invitae Variant Classification Sherloc (09022015). Collection method: clinical testing. Allele origin: germline.
Comment: Advanced modeling of protein sequence and biophysical properties (such as structural, functional, and spatial information, amino acid conservation, physicochemical variation, residue mobility, and thermodynamic stability) performed at Invitae indicates that this missense variant is not expected to disrupt BRCA2 protein function. ClinVar contains an entry for this variant (Variation ID: 801124). This variant has not been reported in the literature in individuals affected with BRCA2-related conditions. This variant is not present in population databases (gnomAD no frequency). This sequence change replaces arginine, which is basic and polar, with lysine, which is basic and polar, at codon 2744 of the BRCA2 protein (p.Arg2744Lys). In summary, the available evidence is currently insufficient to determine the role of this variant in disease. Therefore, it has been classified as a Variant of Uncertain Significance.

Quest Diagnostics Nichols Institute San Juan Capistrano
Classification: Uncertain significance. Last evaluated: 2019-08-18. Review status: criteria provided, single submitter. Criteria: Quest Diagnostics criteria. Collection method: clinical testing. Allele origin: germline.

Literature cited by the submitters: PubMed 39779848 (cited by Color Diagnostics, LLC DBA Color Health); PubMed 39779857 (cited by Color Diagnostics, LLC DBA Color Health).

NM_000059.4(BRCA2):c.8231G>A (p.Arg2744Lys)

Gene: BRCA2 (BRCA2 DNA repair associated; plus strand). Cytogenetic location: 13q13.1.
Variant type: single nucleotide variant.
Coding change: c.8231G>A on transcript NM_000059.4 (MANE Select); coding-DNA position 8231, G replaced by A.
Protein change: p.Arg2744Lys; replaces arginine 2744 with lysine.
Molecular consequence: missense variant.
Genome position (GRCh38, 1-based): chr13:32,363,433, G>A. VCF-style: chr13-32363433-G-A. GRCh37 (hg19) VCF-style: chr13-32937570-G-A.
Other names: short protein forms R2744K.
Identifiers: ClinVar variation 801124 (VCV000801124.15), dbSNP rs1555287056, ClinGen allele CA387749858.